The following is an entry in ClinVar:

ClinVar aggregate classification (germline): Uncertain significance (1 of 4 stars; one submission).

Conditions:
Marfan syndrome (MFS). Also called: MARFAN SYNDROME, TYPE I; Marfan syndrome type 1; Marfan's syndrome; Marfan syndrome, classic; FBN1-Related Marfan Syndrome. Identifiers: Orphanet 284963, Orphanet 558, MedGen C0024796, MONDO:0007947, OMIM 154700.

Allele frequency attached by ClinVar (database versions not stated): gnomAD exomes 0.00001; ExAC 0.00001.
gnomAD v4.1: 5 of 1,613,830 alleles (0.00031%); highest among the groups gnomAD compares: Non-Finnish European, 0.00025%; no homozygotes.

Submission:

All of Us Research Program, National Institutes of Health
Classification: Uncertain significance for Marfan syndrome. Last evaluated: 2023-03-09. Review status: criteria provided, single submitter. Criteria: ACMG Guidelines, 2015. Collection method: clinical testing. Allele origin: germline. Inheritance: Autosomal dominant inheritance. Observed: 1 variant allele, 1 heterozygote.
Comment: This missense variant replaces isoleucine with methionine at codon 578 of the FBN1 protein. Computational prediction suggests that this variant may not impact protein structure and function (internally defined REVEL score threshold <= 0.5, PMID: 27666373). To our knowledge, functional studies have not been reported for this variant. This variant has not been reported in individuals affected with FBN1-related disorders in the literature. This variant has been identified in 2/251194 chromosomes in the general population by the Genome Aggregation Database (gnomAD). The available evidence is insufficient to determine the role of this variant in disease conclusively. Therefore, this variant is classified as a Variant of Uncertain Significance.

This study involves interpretation of variants in research participants for the purpose of population health screening. Participant phenotype was not available at the time of variant classification. Additional details can be found in publication PMID: 35346344, PMCID: PMC8962531

NM_000138.5(FBN1):c.1734A>G (p.Ile578Met)

Gene: FBN1 (fibrillin 1; minus strand). Cytogenetic location: 15q21.1.
Variant type: single nucleotide variant.
Coding change: c.1734A>G on transcript NM_000138.5 (MANE Select); coding-DNA position 1734, A replaced by G.
Protein change: p.Ile578Met; replaces isoleucine 578 with methionine.
Molecular consequence: missense variant.
Genome position (GRCh38, 1-based): chr15:48,508,685, T>C on the plus strand (A>G on the coding strand, the complement: FBN1 is on the minus strand). VCF-style: chr15-48508685-T-C. GRCh37 (hg19) VCF-style: chr15-48800882-T-C.
Other names: c.1734A>G, p.Ile578Met (NM_001406716.1); short protein forms I578M.
Identifiers: ClinVar variation 3069796 (VCV003069796.1), dbSNP rs760582295, ClinGen allele CA045822.